The following is an entry in ClinVar:

NM_000352.6(ABCC8):c.1391C>T (p.Ala464Val)

Gene: ABCC8 (ATP binding cassette subfamily C member 8; minus strand). Cytogenetic location: 11p15.1.
Variant type: single nucleotide variant.
Coding change: c.1391C>T on transcript NM_000352.6 (MANE Select); coding-DNA position 1391, C replaced by T.
Protein change: p.Ala464Val; replaces alanine 464 with valine.
Molecular consequence: missense variant. On other transcripts: non-coding transcript variant (1).
Genome position (GRCh38, 1-based): chr11:17,443,254, G>A on the plus strand (C>T on the coding strand, the complement: ABCC8 is on the minus strand). VCF-style: chr11-17443254-G-A. GRCh37 (hg19) VCF-style: chr11-17464801-G-A.
Other names: c.1391C>T, p.Ala464Val (NM_001287174.3, NM_001351295.2); c.1388C>T, p.Ala463Val (NM_001351296.2, NM_001351297.2); c.1391C>T (NM_000352.3); short protein forms A464V, A463V.
Identifiers: ClinVar variation 547893 (VCV000547893.8), dbSNP rs1554933525, ClinGen allele CA379767114.

ClinVar aggregate classification (germline): Uncertain significance. Review status: criteria provided, multiple submitters, no conflicts (2 of 4 stars). 4 submissions from 3 submitters: Uncertain significance (4). Last evaluated 2024-08-27.

Conditions:
Hyperinsulinemic hypoglycemia, familial, 1 (HHF1). Also called: HYPERINSULINISM, FAMILIAL, WITH PANCREATIC NESIDIOBLASTOSIS; HYPOGLYCEMIA, HYPERINSULINEMIC, OF INFANCY; Persistent hyperinsulinemic hypoglycemia of infancy; NESIDIOBLASTOSIS OF PANCREAS; Persistent Hyperinsulinemia Hypoglycemia of Infancy. Identifiers: Orphanet 276575, Orphanet 276598, MedGen C2931832, MONDO:0009734, OMIM 256450.
Transitory neonatal diabetes mellitus. Also called: Transient neonatal diabetes mellitus. Identifiers: MedGen C0342273, MONDO:0020525, HP:0008255.
Maturity-onset diabetes of the young (MODY). Also called: Maturity onset diabetes mellitus in young. Identifiers: Orphanet 552, MedGen C0342276, MONDO:0018911, HP:0004904.

Submissions (4):

GeneDx
Classification: Uncertain significance. Last evaluated: 2024-08-27. Review status: criteria provided, single submitter. Criteria: GeneDx Variant Classification Process June 2021. Collection method: clinical testing. Allele origin: germline. Affected: yes.
Comment: Not observed at significant frequency in large population cohorts (gnomAD); In silico analysis supports that this missense variant has a deleterious effect on protein structure/function; Has not been previously published as pathogenic or benign to our knowledge

Mayo Clinic Laboratories, Mayo Clinic
Classification: Uncertain significance for Hyperinsulinemic hypoglycemia, familial, 1. Last evaluated: 2016-12-28. Review status: criteria provided, single submitter. Criteria: ACMG Guidelines, 2015. Collection method: clinical testing. Allele origin: paternal.

Clinical Genomics, Uppaluri K&H Personalized Medicine Clinic
Classification: Uncertain significance for Transitory neonatal diabetes mellitus. Review status: criteria provided, single submitter. Criteria: K & H Uppaluri Personalized Medicine Clinic Variant Classification & Assertion Criteria_Updated V.1. Collection method: research. Allele origin: unknown. Inheritance: Somatic mutation.
Comment: Mutations in ABCC8 gene are associated with both neonatal diabetes mellitus as well as MODY. Patients with this mutation may have a better response to sulfonylureas. However, no sufficient evidence is found to ascertain the role of this particular variant (rs1554933525) in neonatal diabetes yet.

Clinical Genomics, Uppaluri K&H Personalized Medicine Clinic
Classification: Uncertain significance for Maturity-onset diabetes of the young. Review status: criteria provided, single submitter. Criteria: K & H Uppaluri Personalized Medicine Clinic Variant Classification & Assertion Criteria_Updated V.1. Collection method: research. Allele origin: unknown. Inheritance: Somatic mutation.
Comment: Mutations in ABCC8 gene are associated with both neonatal diabetes mellitus as well as MODY. Patients with this mutation may have a better response to sulfonylureas. However, no sufficient evidence is found to ascertain the role of this particular variant (rs1554933525) in MODY yet.

Literature cited by the submitters: PubMed 16885549 (cited by Clinical Genomics, Uppaluri K&H Personalized Medicine Clinic); PubMed 21989597 (cited by Clinical Genomics, Uppaluri K&H Personalized Medicine Clinic); PubMed 27538677 (cited by Clinical Genomics, Uppaluri K&H Personalized Medicine Clinic); PubMed 18981553 (cited by Clinical Genomics, Uppaluri K&H Personalized Medicine Clinic); PubMed 32027066 (cited by Clinical Genomics, Uppaluri K&H Personalized Medicine Clinic); PubMed 16613899 (cited by Clinical Genomics, Uppaluri K&H Personalized Medicine Clinic); PubMed 18025408 (cited by Clinical Genomics, Uppaluri K&H Personalized Medicine Clinic); PubMed 32792356 (cited by Clinical Genomics, Uppaluri K&H Personalized Medicine Clinic).